The following is an entry in ClinVar:

NM_000128.4(F11):c.1546G>A (p.Val516Met)

Genes: F11 (coagulation factor XI; plus strand), F11-AS1 (F11 antisense RNA 1; minus strand). Cytogenetic location: 4q35.2.
Variant type: single nucleotide variant.
Coding change: c.1546G>A on transcript NM_000128.4 (MANE Select); coding-DNA position 1546, G replaced by A.
Protein change: p.Val516Met; replaces valine 516 with methionine.
Molecular consequence: missense variant.
Genome position (GRCh38, 1-based): chr4:186,286,480, G>A. VCF-style: chr4-186286480-G-A. GRCh37 (hg19) VCF-style: chr4-187207634-G-A.
Other names: short protein forms V516M.
Identifiers: ClinVar variation 555904 (VCV000555904.9), dbSNP rs200622588, ClinGen allele CA3164022.

ClinVar aggregate classification (germline): Conflicting classifications of pathogenicity. Review status: criteria provided, conflicting classifications (1 of 4 stars). 5 submissions from 5 submitters: Pathogenic (2); Likely pathogenic (1); Uncertain significance (1). 1 of the submissions does not count toward it. Last evaluated 2025-09-10.

Conditions:
Hereditary factor XI deficiency disease. Also called: Congenital factor XI deficiency; PLASMA THROMBOPLASTIN ANTECEDENT DEFICIENCY; PTA DEFICIENCY; ROSENTHAL SYNDROME. Identifiers: Orphanet 329, MedGen C0015523, MeSH D005173, MONDO:0012897, OMIM 612416.
Plasma factor XI deficiency.

Allele frequency attached by ClinVar (database versions not stated): 1000 Genomes Project 0.00020; gnomAD 0.00001 and 0.00003; gnomAD exomes 0.00001 and 0.00003; TOPMed 0.00001; ExAC 0.00003; 1000 Genomes Project 30x 0.00016.
gnomAD v4.1: 16 of 1,613,952 alleles (0.00099%); highest among the groups gnomAD compares: East Asian, 0.036%; no homozygotes.

Submissions (5):

Natera, Inc.
Classification: Pathogenic for Plasma factor XI deficiency. Last evaluated: 2025-09-10. Review status: criteria provided, single submitter. Criteria: Natera Variant Classification Schema (03/2026). Collection method: clinical testing. Allele origin: germline.
Comment: The c.1546G>A variant in F11 is a missense variant predicted to cause substitution of valine to methionine at amino acid 516. This variant is rare in the general population with a frequency below the threshold expected for the associated phenotype(s). This variant has been observed in one or more individuals affected with the associated recessive disease, as either homozygous or compound heterozygous with a second variant (PMID: 18832909, 21668437). This variant has been observed in affected individual(s) with monoallelic occurrence (heterozygous/hemizygous) (PMID: 33445854). Computational prediction algorithms indicate this variant is likely to affect gene or protein function. Given the available evidence, this variant is classified as Pathogenic.

Blueprint Genetics
Classification: Uncertain significance. Last evaluated: 2023-07-07. Review status: criteria provided, single submitter. Criteria: ACMG Guidelines, 2015. Collection method: clinical testing. Allele origin: germline.

Women's Health and Genetics/Laboratory Corporation of America, LabCorp
Classification: Likely pathogenic for Hereditary factor XI deficiency disease. Last evaluated: 2023-05-16. Review status: criteria provided, single submitter. Criteria: LabCorp Variant Classification Summary - May 2015. Collection method: clinical testing. Allele origin: germline.
Comment: Variant summary: F11 c.1546G>A (p.Val516Met) results in a conservative amino acid change located in the Serine proteases, trypsin domain (IPR001254) of the encoded protein sequence. Four of five in-silico tools predict a damaging effect of the variant on protein function. The variant allele was found at a frequency of 2.8e-05 in 251456 control chromosomes. c.1546G>A has been reported in the literature in individuals affected with Hereditary factor XI deficiency disease (Kwon_2008, Kim_2012), and these individuals were reported as compound heterozygous with a likely pathogenic variant. These data indicate that the variant is likely associated with disease. At least one publication reports experimental evidence evaluating an impact on protein function in HEK293 cells expressing the recombinant feline M516 variant of the protein, resulting in <10% of normal activity when compared to the feline V516 protein. The following publications have been ascertained in the context of this evaluation (PMID: 18832909, 21668437, 35627175). One clinical diagnostic laboratory has submitted a clinical-significance assessment for this variant to ClinVar after 2014 without evidence for independent evaluation, and classified the variant as uncertain significance. Based on the evidence outlined above, the variant was classified as likely pathogenic.

Juno Genomics, Hangzhou Juno Genomics, Inc
Classification: Pathogenic for Hereditary factor XI deficiency disease. Review status: criteria provided, single submitter. Criteria: ACMG Guidelines, 2015. Collection method: clinical testing. Allele origin: germline.
Comment: Absent from controls (or at extremely low frequency if recessive) in Genome Aggregation Database.;Multiple lines of computational evidence support a deleterious effect on the gene or gene product.;For recessive disorders, detected in trans with a pathogenic variant.;Patient's phenotype or family history is highly specific for a disease with a single genetic etiology.

Counsyl
Classification: Uncertain significance for Hereditary factor XI deficiency disease. Last evaluated: 2018-01-02. Review status: no assertion criteria provided. Collection method: clinical testing. Allele origin: unknown. Not counted in ClinVar's aggregate classification.

Literature cited by the submitters: PubMed 18832909 (cited by Natera, Inc. and Women's Health and Genetics/Laboratory Corporation of America, LabCorp); PubMed 21668437 (cited by 3 submitters); PubMed 33445854 (cited by Natera, Inc.); PubMed 35627175 (cited by Women's Health and Genetics/Laboratory Corporation of America, LabCorp); PubMed 8832909 (cited by Counsyl); PubMed 19652879 (cited by Counsyl).